The following is an entry in ClinVar:

NM_033337.3(CAV3):c.415G>A (p.Val139Ile)

Genes: CAV3 (caveolin 3; plus strand), OXTR (oxytocin receptor; minus strand). Cytogenetic location: 3p25.3.
Variant type: single nucleotide variant.
Coding change: c.415G>A on transcript NM_033337.3 (MANE Select); coding-DNA position 415, G replaced by A.
Protein change: p.Val139Ile; replaces valine 139 with isoleucine.
Molecular consequence: missense variant.
Genome position (GRCh38, 1-based): chr3:8,745,826, G>A. VCF-style: chr3-8745826-G-A. GRCh37 (hg19) VCF-style: chr3-8787512-G-A.
Other names: c.415G>A, p.Val139Ile (NM_001234.5); short protein forms V139I.
Identifiers: ClinVar variation 3263580 (VCV003263580.1).

ClinVar aggregate classification (germline): Uncertain significance (1 of 4 stars; one submission).

Conditions:
Cardiovascular phenotype. Identifiers: MedGen CN230736.

gnomAD v4.1: 5 of 1,613,702 alleles (0.00031%); highest among the groups gnomAD compares: Non-Finnish European, 0.00042%; no homozygotes.

Submission:

Ambry Genetics
Classification: Uncertain significance for Cardiovascular phenotype. Last evaluated: 2024-05-11. Review status: criteria provided, single submitter. Criteria: Ambry Variant Classification Scheme 2023. Collection method: clinical testing. Allele origin: germline.
Comment: The p.V139I variant (also known as c.415G>A), located in coding exon 2 of the CAV3 gene, results from a G to A substitution at nucleotide position 415. The valine at codon 139 is replaced by isoleucine, an amino acid with highly similar properties. This amino acid position is conserved. In addition, this alteration is predicted to be tolerated by in silico analysis. Based on the available evidence, the clinical significance of this variant remains unclear.